The following is an entry in ClinVar:

NM_024334.3(TMEM43):c.949A>C (p.Met317Leu)

Gene: TMEM43 (transmembrane protein 43; plus strand). Cytogenetic location: 3p25.1.
Variant type: single nucleotide variant.
Coding change: c.949A>C on transcript NM_024334.3 (MANE Select); coding-DNA position 949, A replaced by C.
Protein change: p.Met317Leu; replaces methionine 317 with leucine.
Molecular consequence: missense variant.
Genome position (GRCh38, 1-based): chr3:14,139,246, A>C. VCF-style: chr3-14139246-A-C. GRCh37 (hg19) VCF-style: chr3-14180746-A-C.
Other names: c.952A>C, p.Met318Leu (NM_001407274.1); c.946A>C, p.Met316Leu (NM_001407275.1, NM_001407276.1); c.943A>C, p.Met315Leu (NM_001407277.1); c.934A>C, p.Met312Leu (NM_001407278.1); c.874A>C, p.Met292Leu (NM_001407279.1); c.799A>C, p.Met267Leu (NM_001407280.1); short protein forms M316L, M317L, M318L, M312L, M292L, M315L, M267L.
Identifiers: ClinVar variation 4731917 (VCV004731917.1).

ClinVar aggregate classification (germline): Uncertain significance (1 of 4 stars; one submission).

Conditions:
Arrhythmogenic right ventricular dysplasia 5. Also called: ARRHYTHMOGENIC RIGHT VENTRICULAR DYSPLASIA, FAMILIAL, 5; Arrhythmogenic Right Ventricular Dysplasia/Cardiomyopathy 5. Identifiers: MedGen C1858379, MONDO:0011459, OMIM 604400.

Submission:

Labcorp Genetics (formerly Invitae), Labcorp
Classification: Uncertain significance for Arrhythmogenic right ventricular dysplasia 5. Last evaluated: 2026-01-13. Review status: criteria provided, single submitter. Criteria: Invitae Variant Classification Sherloc (09022015). Collection method: clinical testing. Allele origin: germline.
Comment: This sequence change replaces methionine, which is neutral and non-polar, with leucine, which is neutral and non-polar, at codon 317 of the TMEM43 protein (p.Met317Leu). This variant is not present in population databases (gnomAD no frequency). This variant has not been reported in the literature in individuals affected with TMEM43-related conditions. Invitae Evidence Modeling of protein sequence and biophysical properties (such as structural, functional, and spatial information, amino acid conservation, physicochemical variation, residue mobility, and thermodynamic stability) indicates that this missense variant is not expected to disrupt TMEM43 protein function with a negative predictive value of 80%. In summary, the available evidence is currently insufficient to determine the role of this variant in disease. Therefore, it has been classified as a Variant of Uncertain Significance.